The following is an entry in ClinVar:

ClinVar aggregate classification (germline): Uncertain significance (1 of 4 stars; one submission).

Conditions:
Congenital myasthenic syndrome 8. Also called: MYASTHENIC SYNDROME, CONGENITAL, DUE TO AGRIN DEFICIENCY; Myasthenic syndrome, congenital, 8, with pre- and postsynaptic defects. Identifiers: Orphanet 590, MedGen C3808739, MONDO:0014052, OMIM 615120.

gnomAD v4.1: 4 of 1,539,210 alleles (0.00026%); highest among the groups gnomAD compares: Non-Finnish European, 0.00035%; no homozygotes.

Submission:

Labcorp Genetics (formerly Invitae), Labcorp
Classification: Uncertain significance for Congenital myasthenic syndrome 8. Last evaluated: 2024-06-05. Review status: criteria provided, single submitter. Criteria: Invitae Variant Classification Sherloc (09022015). Collection method: clinical testing. Allele origin: germline.
Comment: This sequence change replaces proline, which is neutral and non-polar, with serine, which is neutral and polar, at codon 1373 of the AGRN protein (p.Pro1373Ser). This variant is not present in population databases (gnomAD no frequency). This variant has not been reported in the literature in individuals affected with AGRN-related conditions. Algorithms developed to predict the effect of missense changes on protein structure and function output the following: SIFT: "Not Available"; PolyPhen-2: "Benign"; Align-GVGD: "Not Available". The serine amino acid residue is found in multiple mammalian species, which suggests that this missense change does not adversely affect protein function. In summary, the available evidence is currently insufficient to determine the role of this variant in disease. Therefore, it has been classified as a Variant of Uncertain Significance.

NM_198576.4(AGRN):c.4117C>T (p.Pro1373Ser)

Gene: AGRN (agrin; plus strand). Cytogenetic location: 1p36.33.
Variant type: single nucleotide variant.
Coding change: c.4117C>T on transcript NM_198576.4 (MANE Select); coding-DNA position 4117, C replaced by T.
Protein change: p.Pro1373Ser; replaces proline 1373 with serine.
Molecular consequence: missense variant.
Genome position (GRCh38, 1-based): chr1:1,048,878, C>T. VCF-style: chr1-1048878-C-T. GRCh37 (hg19) VCF-style: chr1-984258-C-T.
Other names: c.4117C>T, p.Pro1373Ser (NM_001305275.2); c.3802C>T, p.Pro1268Ser (NM_001364727.2); short protein forms P1373S, P1268S.
Identifiers: ClinVar variation 3694106 (VCV003694106.2).